The following is an entry in ClinVar:

NM_020937.4(FANCM):c.214A>G (p.Asn72Asp)

Gene: FANCM (FA complementation group M; plus strand). Cytogenetic location: 14q21.2.
Variant type: single nucleotide variant.
Coding change: c.214A>G on transcript NM_020937.4 (MANE Select); coding-DNA position 214, A replaced by G.
Protein change: p.Asn72Asp; replaces asparagine 72 with aspartic acid.
Molecular consequence: missense variant.
Genome position (GRCh38, 1-based): chr14:45,136,245, A>G. VCF-style: chr14-45136245-A-G. GRCh37 (hg19) VCF-style: chr14-45605448-A-G.
Other names: c.214A>G, p.Asn72Asp (NM_001308133.2, NM_001308134.2); short protein forms N72D.
Identifiers: ClinVar variation 2969545 (VCV002969545.4), dbSNP rs1269122026, ClinGen allele CA389587420.
Genomic context (GRCh38, chr14:45,136,245, plus strand): 5'-TCGGACGATGATGTGTTGCTTGTCGCGGCGTACGAGGCTGAGCGGCAGTTGTGTCTAGAG[A>G]ATGGCGGGTTCTGCACCTCCGCGGGCGCCCTGTGGATTTACCCTACCAATTGCCCAGTGC-3'
Protein context (NP_065988.1, residues 62-82): YEAERQLCLE[Asn72Asp]GGFCTSAGAL

ClinVar aggregate classification (germline): Conflicting classifications of pathogenicity. Review status: criteria provided, conflicting classifications (1 of 4 stars). 2 submissions from 2 submitters: Uncertain significance (1); Likely benign (1). Last evaluated 2024-12-14.

Conditions:
Inborn genetic diseases. Identifiers: MedGen C0950123, MeSH D030342.
Fanconi anemia (FA). Also called: Fanconi's anemia. Identifiers: Orphanet 84, MedGen C0015625, MeSH D005199, MONDO:0019391.

Allele frequency attached by ClinVar (database versions not stated): gnomAD 0.00001.
gnomAD v4.1: 1 of 1,613,852 alleles (0.000062%); highest among the groups gnomAD compares: Non-Finnish European, 0.000085%; no homozygotes.

Submissions (2):

Ambry Genetics
Classification: Likely benign for Inborn genetic diseases. Last evaluated: 2024-12-14. Review status: criteria provided, single submitter. Criteria: Ambry Variant Classification Scheme 2023. Collection method: clinical testing. Allele origin: germline.

Labcorp Genetics (formerly Invitae), Labcorp
Classification: Uncertain significance for Fanconi anemia. Last evaluated: 2023-06-01. Review status: criteria provided, single submitter. Criteria: Invitae Variant Classification Sherloc (09022015). Collection method: clinical testing. Allele origin: germline.
Comment: Algorithms developed to predict the effect of missense changes on protein structure and function output the following: SIFT: "Not Available"; PolyPhen-2: "Benign"; Align-GVGD: "Not Available". The aspartic acid amino acid residue is found in multiple mammalian species, which suggests that this missense change does not adversely affect protein function. This sequence change replaces asparagine, which is neutral and polar, with aspartic acid, which is acidic and polar, at codon 72 of the FANCM protein (p.Asn72Asp). This variant is present in population databases (no rsID available, gnomAD 0.007%). This variant has not been reported in the literature in individuals affected with FANCM-related conditions. In summary, the available evidence is currently insufficient to determine the role of this variant in disease. Therefore, it has been classified as a Variant of Uncertain Significance.